The following is an entry in ClinVar:

NM_001367479.1(DNAH14):c.4443C>A (p.Cys1481Ter)

Gene: DNAH14 (dynein axonemal heavy chain 14; plus strand). Cytogenetic location: 1q42.12.
Variant type: single nucleotide variant.
Coding change: c.4443C>A on transcript NM_001367479.1 (MANE Select); coding-DNA position 4443, C replaced by A.
Protein change: p.Cys1481Ter; replaces cysteine 1481 with a stop codon.
Molecular consequence: nonsense.
Genome position (GRCh38, 1-based): chr1:225,140,956, C>A. VCF-style: chr1-225140956-C-A. GRCh37 (hg19) VCF-style: chr1-225328658-C-A.
Other names: NM_001373.1:c.4392C>A; short protein forms C1481*.
Identifiers: ClinVar variation 3352282 (VCV003352282.1).
Genomic context (GRCh38, chr1:225,140,956, plus strand): 5'-TACTAGTAACTCTCGAACAAAAGCTATACTAGGGGCATTGCTTATCCTTTATGTTCACTG[C>A]AGAGATATAGTGATAAATTTACTACTTAAAAATATCTTCAATGCAGAGGATTTTGAGTGG-3'

ClinVar aggregate classification (germline): Uncertain significance (0 of 4 stars; one submission).

Conditions:
DNAH14-related disorder. Also called: DNAH14-related condition.

gnomAD v4.1: 101 of 1,551,148 alleles (0.0065%); highest among the groups gnomAD compares: Middle Eastern, 0.3%; 1 homozygote.

Submission:

PreventionGenetics, part of Exact Sciences
Classification: Uncertain significance for DNAH14-related condition. Last evaluated: 2024-04-10. Review status: no assertion criteria provided. Collection method: clinical testing. Allele origin: germline.
Comment: The DNAH14 c.4392C>A variant is predicted to result in premature protein termination (p.Cys1464*). To our knowledge, this variant has not been reported in the literature. This variant is reported in 0.0088% of alleles in individuals of South Asian descent in gnomAD. Evidence for pathogenicity of loss-of-function variants in the DNAH14 gene is limited at this time. Although we suspect that this variant may be pathogenic, at this time, the clinical significance of this variant is uncertain due to the absence of conclusive functional and genetic evidence.